The following is an entry in ClinVar:

NM_004519.4(KCNQ3):c.2251T>G (p.Leu751Val)

Gene: KCNQ3 (potassium voltage-gated channel subfamily Q member 3; minus strand). Cytogenetic location: 8q24.22.
Variant type: single nucleotide variant.
Coding change: c.2251T>G on transcript NM_004519.4 (MANE Select); coding-DNA position 2251, T replaced by G.
Protein change: p.Leu751Val; replaces leucine 751 with valine.
Molecular consequence: missense variant.
Genome position (GRCh38, 1-based): chr8:132,129,630, A>C on the plus strand (T>G on the coding strand, the complement: KCNQ3 is on the minus strand). VCF-style: chr8-132129630-A-C. GRCh37 (hg19) VCF-style: chr8-133141877-A-C.
Other names: c.1891T>G, p.Leu631Val (NM_001204824.2); short protein forms L631V, L751V.
Identifiers: ClinVar variation 3619669 (VCV003619669.2).

ClinVar aggregate classification (germline): Uncertain significance (1 of 4 stars; one submission).

Conditions:
Benign neonatal seizures. Also called: Benign familial neonatal epilepsy; Benign familial neonatal seizures; Convulsions benign familial neonatal dominant form; Autosomal dominant form of benign neonatal seizures; Benign neonatal familial convulsions. Identifiers: Orphanet 1949, MedGen C0220669, MONDO:0016027.

gnomAD v4.1: 2 of 1,614,070 alleles (0.00012%); highest among the groups gnomAD compares: Non-Finnish European, 0.00017%; no homozygotes.

Submission:

Labcorp Genetics (formerly Invitae), Labcorp
Classification: Uncertain significance for Benign neonatal seizures. Last evaluated: 2024-02-14. Review status: criteria provided, single submitter. Criteria: Invitae Variant Classification Sherloc (09022015). Collection method: clinical testing. Allele origin: germline.
Comment: This sequence change replaces leucine, which is neutral and non-polar, with valine, which is neutral and non-polar, at codon 751 of the KCNQ3 protein (p.Leu751Val). This variant is present in population databases (no rsID available, gnomAD 0.0009%). This variant has not been reported in the literature in individuals affected with KCNQ3-related conditions. Advanced modeling of protein sequence and biophysical properties (such as structural, functional, and spatial information, amino acid conservation, physicochemical variation, residue mobility, and thermodynamic stability) performed at Invitae indicates that this missense variant is not expected to disrupt KCNQ3 protein function with a negative predictive value of 95%. In summary, the available evidence is currently insufficient to determine the role of this variant in disease. Therefore, it has been classified as a Variant of Uncertain Significance.